The following is an entry in ClinVar:

ClinVar aggregate classification (germline): Uncertain significance (1 of 4 stars; one submission).

Conditions:
Autosomal recessive limb-girdle muscular dystrophy type 2J (LGMDR10). Also called: Limb-girdle muscular dystrophy, type 2J; MUSCULAR DYSTROPHY, LIMB-GIRDLE, AUTOSOMAL RECESSIVE 10. Identifiers: Orphanet 140922, MedGen C1837342, MONDO:0012127, OMIM 608807.
Dilated cardiomyopathy 1G (CMD1G). Identifiers: Orphanet 154, MedGen C1858763, MONDO:0011400, OMIM 604145.

Submission:

Labcorp Genetics (formerly Invitae), Labcorp
Classification: Uncertain significance for Dilated cardiomyopathy 1G; Autosomal recessive limb-girdle muscular dystrophy type 2J. Last evaluated: 2022-08-23. Review status: criteria provided, single submitter. Criteria: Invitae Variant Classification Sherloc (09022015). Collection method: clinical testing. Allele origin: germline.
Comment: This variant is a gross deletion of the genomic region encompassing exon(s) 14-17 of the TTN gene. This variant would be expected to be in-frame, preserving the integrity of the reading frame. This variant has not been reported in the literature in individuals affected with TTN-related conditions. This variant disrupts the Z band of TTN (PMID: 25589632). Copy number variants in TTN have been previously reported in individuals affected with neuromuscular disorders (PMID: 29792937, 30238059), but the functional significance of this variant is currently unknown. In summary, the available evidence is currently insufficient to determine the role of this variant in disease. Therefore, it has been classified as a Variant of Uncertain Significance.

Literature cited by the submitters: PubMed 25589632; PubMed 29792937; PubMed 30238059.

NC_000002.12:g.(?_178783700)_(178786161_?)del

Gene: TTN (titin; minus strand). Cytogenetic location: 2q31.2.
Variant type: Deletion.
Identifiers: ClinVar variation 584052 (VCV000584052.5).